The following is an entry in ClinVar:

ClinVar aggregate classification (germline): Likely benign (1 of 4 stars; one submission).

Conditions:
LHX8-related disorder. Also called: LHX8-related condition.

Submission:

PreventionGenetics, part of Exact Sciences
Classification: Likely benign for LHX8-related condition. Last evaluated: 2025-11-01. Review status: criteria provided, single submitter. Criteria: ACMG Guidelines, 2015. Collection method: clinical testing. Allele origin: germline.
Comment: This variant is classified as likely benign based on ACMG/AMP sequence variant interpretation guidelines (Richards et al. 2015 PMID: 25741868, with internal and published modifications).

NM_001256114.2(LHX8):c.685-7_685-4del

Gene: LHX8 (LIM homeobox 8; plus strand). Cytogenetic location: 1p31.1.
Variant type: Deletion.
Coding change: c.685-7_685-4del on transcript NM_001256114.2 (MANE Select); 7 bases into the intron before coding-DNA position 685 through 4 bases into the intron before coding-DNA position 685, 4 bases deleted (ACAA; older notation c.685-7_685-4delACAA).
Molecular consequence: intron variant.
Genome position (GRCh38, 1-based): chr1:75,148,580-75,148,583, ACAA deleted; deleting any 4 consecutive bases within chr1:75,148,578-75,148,583 gives the same sequence; the c. name uses the placement nearest the transcript's 3' end. VCF-style (leftmost placement, unchanged base first): chr1-75148577-TAAAC-T. GRCh37 (hg19) VCF-style: chr1-75614262-TAAAC-T.
Other names: c.715-7_715-4del (NM_001001933.1); c.715-7_715-4delACAA (NM_001001933.1).
Identifiers: ClinVar variation 4988371 (VCV004988371.1).